The following is an entry in ClinVar:

NM_001110556.2(FLNA):c.3311T>C (p.Val1104Ala)

Gene: FLNA (filamin A; minus strand). Cytogenetic location: Xq28.
Variant type: single nucleotide variant.
Coding change: c.3311T>C on transcript NM_001110556.2 (MANE Select); coding-DNA position 3311, T replaced by C.
Protein change: p.Val1104Ala; replaces valine 1104 with alanine.
Molecular consequence: missense variant.
Genome position (GRCh38, 1-based): chrX:154,360,484, A>G on the plus strand (T>C on the coding strand, the complement: FLNA is on the minus strand). VCF-style: chrX-154360484-A-G. GRCh37 (hg19) VCF-style: chrX-153588852-A-G.
Other names: c.3311T>C, p.Val1104Ala (NM_001456.4); short protein forms V1104A.
Identifiers: ClinVar variation 4845053 (VCV004845053.1).

ClinVar aggregate classification (germline): Uncertain significance (1 of 4 stars; one submission).

Conditions:
Familial thoracic aortic aneurysm and aortic dissection (TAAD). Also called: Thoracic aortic aneurysms and dissections. Identifiers: Orphanet 91387, MedGen C4707243, MONDO:0019625.

Submission:

Ambry Genetics
Classification: Uncertain significance for Familial thoracic aortic aneurysm and aortic dissection. Last evaluated: 2026-01-17. Review status: criteria provided, single submitter. Criteria: Ambry Variant Classification Scheme 2023. Collection method: clinical testing. Allele origin: germline.
Comment: The p.V1104A variant (also known as c.3311T>C), located in coding exon 21 of the FLNA gene, results from a T to C substitution at nucleotide position 3311. The valine at codon 1104 is replaced by alanine, an amino acid with similar properties. This amino acid position is conserved. In addition, this alteration is predicted to be deleterious by in silico analysis. Based on the available evidence, the clinical significance of this variant remains unclear.